The following is an entry in ClinVar:

NM_001378454.1(ALMS1):c.1179A>T (p.Ser393=)

Gene: ALMS1 (ALMS1 centrosome and basal body associated protein; plus strand). Cytogenetic location: 2p13.1.
Variant type: single nucleotide variant.
Coding change: c.1179A>T on transcript NM_001378454.1 (MANE Select); coding-DNA position 1179, A replaced by T.
Protein change: p.Ser393=; no amino-acid change (serine 393 retained).
Molecular consequence: synonymous variant.
Genome position (GRCh38, 1-based): chr2:73,424,844, A>T. VCF-style: chr2-73424844-A-T. GRCh37 (hg19) VCF-style: chr2-73651972-A-T.
Other names: c.1182A>T, p.Ser394= (NM_015120.4).
Identifiers: ClinVar variation 553152 (VCV000553152.16), dbSNP rs765376715, ClinGen allele CA1713064.

ClinVar aggregate classification (germline): Likely benign. Review status: criteria provided, multiple submitters, no conflicts (2 of 4 stars). 5 submissions from 5 submitters: Likely benign (4). 1 of the submissions does not count toward it. Last evaluated 2026-01-27.

Conditions:
Cardiovascular phenotype. Identifiers: MedGen CN230736.
Alstrom syndrome (ALMS). Identifiers: Orphanet 64, MedGen C0268425, MONDO:0008763, OMIM 203800.

Allele frequency attached by ClinVar (database versions not stated): TOPMed 0.00008.
gnomAD v4.1: 142 of 1,608,358 alleles (0.0088%); highest among the groups gnomAD compares: Non-Finnish European, 0.0098%; no homozygotes.

Submissions (5):

Labcorp Genetics (formerly Invitae), Labcorp
Classification: Likely benign for Alstrom syndrome. Last evaluated: 2026-01-27. Review status: criteria provided, single submitter. Criteria: Invitae Variant Classification Sherloc (09022015). Collection method: clinical testing. Allele origin: germline.

Blueprint Genetics
Classification: Likely benign. Last evaluated: 2024-06-17. Review status: criteria provided, single submitter. Criteria: ACMG Guidelines, 2015. Collection method: clinical testing. Allele origin: germline.

Ambry Genetics
Classification: Likely benign for Cardiovascular phenotype. Last evaluated: 2021-06-10. Review status: criteria provided, single submitter. Criteria: Ambry Variant Classification Scheme 2023. Collection method: clinical testing. Allele origin: germline.

GeneDx
Classification: Likely benign. Last evaluated: 2021-04-01. Review status: criteria provided, single submitter. Criteria: GeneDx Variant Classification Process June 2021. Collection method: clinical testing. Allele origin: germline. Affected: yes.
Comment: See Variant Classification Assertion Criteria.

Counsyl
Classification: Likely benign for Alstrom syndrome. Last evaluated: 2017-08-02. Review status: no assertion criteria provided. Collection method: clinical testing. Allele origin: unknown. Not counted in ClinVar's aggregate classification.